The following is an entry in ClinVar:

ClinVar aggregate classification (germline): Benign (0 of 4 stars; one submission).

Conditions:
MDN1-related disorder. Also called: MDN1-related condition.

Allele frequency attached by ClinVar (database versions not stated): ESP Exome Variant Server 0.00277; TOPMed 0.00337; gnomAD 0.00365; gnomAD exomes 0.00497; 1000 Genomes Project 30x 0.00609; ExAC 0.00625; 1000 Genomes Project 0.00679.
gnomAD v4.1: 7,860 of 1,614,038 alleles (0.49%); highest among the groups gnomAD compares: South Asian, 1.8%; 45 homozygotes.

Submission:

PreventionGenetics, part of Exact Sciences
Classification: Benign for MDN1-related condition. Last evaluated: 2019-06-27. Review status: no assertion criteria provided. Collection method: clinical testing. Allele origin: germline.
Comment: This variant is classified as benign based on ACMG/AMP sequence variant interpretation guidelines (Richards et al. 2015 PMID: 25741868, with internal and published modifications).

NM_014611.3(MDN1):c.4092G>A (p.Val1364=)

Gene: MDN1 (midasin AAA ATPase 1; minus strand). Cytogenetic location: 6q15.
Variant type: single nucleotide variant.
Coding change: c.4092G>A on transcript NM_014611.3 (MANE Select); coding-DNA position 4092, G replaced by A.
Protein change: p.Val1364=; no amino-acid change (valine 1364 retained).
Molecular consequence: synonymous variant.
Genome position (GRCh38, 1-based): chr6:89,745,359, C>T on the plus strand (G>A on the coding strand, the complement: MDN1 is on the minus strand). VCF-style: chr6-89745359-C-T. GRCh37 (hg19) VCF-style: chr6-90455078-C-T.
Identifiers: ClinVar variation 3043415 (VCV003043415.2), dbSNP rs149847666, ClinGen allele CA3925182.